The following is an entry in ClinVar:

NM_014014.5(SNRNP200):c.3260C>T (p.Ser1087Leu)

Gene: SNRNP200 (small nuclear ribonucleoprotein U5 subunit 200; minus strand). Cytogenetic location: 2q11.2.
Variant type: single nucleotide variant.
Coding change: c.3260C>T on transcript NM_014014.5 (MANE Select); coding-DNA position 3260, C replaced by T.
Protein change: p.Ser1087Leu; replaces serine 1087 with leucine.
Molecular consequence: missense variant.
Genome position (GRCh38, 1-based): chr2:96,287,968, G>A on the plus strand (C>T on the coding strand, the complement: SNRNP200 is on the minus strand). VCF-style: chr2-96287968-G-A. GRCh37 (hg19) VCF-style: chr2-96953706-G-A.
Other names: short protein forms S1087L.
Identifiers: ClinVar variation 7928 (VCV000007928.57), dbSNP rs267607077, ClinGen allele CA254265.
Genomic context (GRCh38, chr2:96,287,968, plus strand): 5'-AGCTGTGCCCAACCTCGGTTCAGGACAATTTCAAATATCGCTCGCATCAACCGGCCAGCC[G>A]ACTAAGCAAAGAAGCAGCATTCCCACTGTTAAGTCTCGACTATCCCCAGGCCTCATGAGC-3'
Protein context (NP_054733.2, residues 1077-1097): LMADMVYVTQ[Ser1087Leu]AGRLMRAIFE

ClinVar aggregate classification (germline): Pathogenic. Review status: criteria provided, multiple submitters, no conflicts (2 of 4 stars). 12 submissions from 12 submitters: Pathogenic (8). 4 of the submissions do not count toward it. Last evaluated 2025-12-01.

Conditions:
SNRNP200-related disorder. Also called: SNRNP200-related condition.
Retinal dystrophy. Also called: Inherited retinal dystrophy. Identifiers: Orphanet 71862, MedGen C0854723, MeSH D058499, MONDO:0019118, HP:0000556.
Retinitis pigmentosa (RP). Identifiers: Orphanet 791, MedGen C0035334, MeSH D012174, MONDO:0019200, OMIM 268000. Inheritance: Autosomal dominant, autosomal recessive and X linked inheritance.
Retinitis pigmentosa 33 (RP33). Identifiers: Orphanet 791, MedGen C1835895, MONDO:0012477, OMIM 610359.

Allele frequency attached by ClinVar (database versions not stated): gnomAD exomes below 0.00001 and 0.00001; ExAC 0.00001.

Submissions (12):

Labcorp Genetics (formerly Invitae), Labcorp
Classification: Pathogenic. Last evaluated: 2025-12-01. Review status: criteria provided, single submitter. Criteria: Invitae Variant Classification Sherloc (09022015). Collection method: clinical testing. Allele origin: germline.
Comment: This sequence change replaces serine, which is neutral and polar, with leucine, which is neutral and non-polar, at codon 1087 of the SNRNP200 protein (p.Ser1087Leu). This variant is present in population databases (rs267607077, gnomAD 0.0009%). This missense change has been observed in individuals with autosomal dominant retinitis pigmentosa (PMID: 19878916, 28559085). It has also been observed to segregate with disease in related individuals. ClinVar contains an entry for this variant (Variation ID: 7928). Invitae Evidence Modeling of protein sequence and biophysical properties (such as structural, functional, and spatial information, amino acid conservation, physicochemical variation, residue mobility, and thermodynamic stability) has been performed for this missense variant. However, the output from this modeling did not meet the statistical confidence thresholds required to predict the impact of this variant on SNRNP200 protein function. Experimental studies have shown that this missense change affects SNRNP200 function (PMID: 19878916, 24302620). For these reasons, this variant has been classified as Pathogenic.

3billion
Classification: Pathogenic for Retinitis pigmentosa 33. Last evaluated: 2025-11-21. Review status: criteria provided, single submitter. Criteria: ACMG Guidelines, 2015. Collection method: clinical testing. Allele origin: germline. Affected: yes.
Comment: The variant is observed at an extremely low frequency in the gnomAD v4.1.0 dataset (total allele frequency: <0.001%). Predicted Consequence/Location: Missense variant. Missense changes are a common disease-causing mechanism. Functional studies provide moderate evidence of the variant having a damaging effect on the gene or gene product (PMID: 24302620). In silico tool predictions suggest damaging effect of the variant on gene or gene product [REVEL: 0.67 (>=0.6, sensitivity 0.68 and specificity 0.92)]. The same nucleotide change resulting in the same amino acid change has been previously reported as pathogenic/likely pathogenic with strong evidence (ClinVar ID: VCV000007928 /PMID: 19878916). Therefore, this variant is classified as Pathogenic according to the recommendation of ACMG/AMP guideline.

Dasa
Classification: Pathogenic. Last evaluated: 2025-10-09. Review status: criteria provided, single submitter. Criteria: DASA Assertion Criteria. Collection method: clinical testing. Allele origin: germline.
Comment: NM_014014.5(SNRNP200):c.3260C>T (p.Ser1087Leu) is a missense variant that results in the substitution of serine with leucine. Segregation evidence has been reported in affected families. Functional evidence supports a deleterious effect on the gene or gene product (PMID: 19878916; PMID: 28559085; PMID: 24302620). This variant has been recurrently observed in individuals with related phenotype (PMID: 19878916; PMID: 28559085; PMID: 24302620). Multiple computational predictions support a deleterious effect on the gene or gene product. The variant is present at low frequency in population datasets. Based on the available data, this variant is classified as pathogenic.

Division of Genetic & Genomic Pathology, Hong Kong Children's Hospital
Classification: Pathogenic for Retinitis pigmentosa 33. Last evaluated: 2025-04-08. Review status: criteria provided, single submitter. Criteria: ACMG Guidelines, 2015. Collection method: clinical testing. Allele origin: germline. Affected: yes.
Comment: SNRNP200 c.3260C>T p.(Ser1087Leu) is a missense variant located in exon 25 (out of 45 exons). It is present at a very low frequency in gnomAD v4.1.0 (total 9 alleles; highest minor allele frequency of 0.00002228 in East Asian). The variant is deposited as pathogenic in ClinVar (Accession: VCV000007928.40). It has been detected in multiple patients affected with retinitis pigmentosa (PMID: 19878916, 24499697, 28045043, 28559085, 33749171, 36819107, 38219857). In vitro studies showed that the mutant protein affects mRNA splicing of its targets (PMID: 19878916, 24302620). The variant is predicted to be deleterious at supporting level (REVEL score = 0.672). For these reasons, SNRNP200 c.3260C>T p.(Ser1087Leu) is classified as pathogenic.

Blueprint Genetics
Classification: Pathogenic for SNRNP200-related disorders. Last evaluated: 2024-11-14. Review status: criteria provided, single submitter. Criteria: ACMG Guidelines, 2015. Collection method: clinical testing. Allele origin: germline. Affected: yes. Observed: 5 variant alleles.

Institute of Human Genetics, Univ. Regensburg, Univ. Regensburg
Classification: Pathogenic for Retinal dystrophy. Last evaluated: 2022-01-01. Review status: criteria provided, single submitter. Criteria: ACMG Guidelines, 2015. Collection method: clinical testing. Allele origin: germline. Affected: yes.

Ocular Genomics Institute, Massachusetts Eye and Ear
Classification: Pathogenic for Retinitis pigmentosa 33. Last evaluated: 2021-04-08. Review status: criteria provided, single submitter. Criteria: ACMG Guidelines, 2015. Collection method: research. Allele origin: germline. Affected: yes.
Comment: Through a review of available evidence we were able to apply the following criteria: PS3, PM1, PM2, PP1, PP3. Based on this evidence we have classified this variant as Pathogenic.

CeGaT Center for Human Genetics Tuebingen
Classification: Pathogenic. Last evaluated: 2017-12-01. Review status: criteria provided, single submitter. Criteria: CeGaT Center For Human Genetics Tuebingen Variant Classification Criteria Version 2. Collection method: clinical testing. Allele origin: germline. Affected: yes. Observed: 2 variant alleles.

NIHR Bioresource Rare Diseases, University of Cambridge
Classification: Likely pathogenic for Retinitis pigmentosa. Last evaluated: 2015-01-01. Review status: no assertion criteria provided. Collection method: research. Allele origin: unknown. Affected: yes. Observed: 1 variant allele. Not counted in ClinVar's aggregate classification.

OMIM
Classification: Pathogenic for RETINITIS PIGMENTOSA 33. Last evaluated: 2014-03-01. Review status: no assertion criteria provided. Collection method: literature only. Allele origin: germline. Not counted in ClinVar's aggregate classification.

Genomics England Pilot Project, Genomics England
Classification: Pathogenic for Retinitis pigmentosa 33. Review status: no assertion criteria provided. Criteria: ACGS Guidelines, 2016. Collection method: clinical testing. Allele origin: germline. Affected: yes. Not counted in ClinVar's aggregate classification.

Dept Of Ophthalmology, Nagoya University
Classification: Uncertain significance for Retinal dystrophy. Last evaluated: 2023-10-01. Review status: flagged submission. Criteria: Submitter's publication. Collection method: research. Allele origin: germline. Affected: yes. Not counted in ClinVar's aggregate classification.
ClinVar note: Reason: Outlier claim with insufficient supporting evidence

Literature cited by the submitters: PubMed 19878916 (cited by 8 submitters); PubMed 28559085 (cited by 4 submitters); PubMed 24302620 (cited by 7 submitters); PubMed 24499697 (cited by 3 submitters); PubMed 28045043 (cited by Division of Genetic & Genomic Pathology, Hong Kong Children's Hospital and Institute of Human Genetics, Univ. Regensburg, Univ. Regensburg); PubMed 33749171 (cited by Division of Genetic & Genomic Pathology, Hong Kong Children's Hospital and Institute of Human Genetics, Univ. Regensburg, Univ. Regensburg); PubMed 36819107 (cited by Division of Genetic & Genomic Pathology, Hong Kong Children's Hospital and Institute of Human Genetics, Univ. Regensburg, Univ. Regensburg); PubMed 38219857 (cited by Division of Genetic & Genomic Pathology, Hong Kong Children's Hospital); PubMed 30360737 (cited by Institute of Human Genetics, Univ. Regensburg, Univ. Regensburg); PubMed 31054281 (cited by Institute of Human Genetics, Univ. Regensburg, Univ. Regensburg); PubMed 31260034 (cited by Institute of Human Genetics, Univ. Regensburg, Univ. Regensburg); PubMed 31213501 (cited by Institute of Human Genetics, Univ. Regensburg, Univ. Regensburg); PubMed 31486839 (cited by Institute of Human Genetics, Univ. Regensburg, Univ. Regensburg); PubMed 32581362 (cited by Institute of Human Genetics, Univ. Regensburg, Univ. Regensburg); PubMed 32531858 (cited by Institute of Human Genetics, Univ. Regensburg, Univ. Regensburg); PubMed 32037395 (cited by Institute of Human Genetics, Univ. Regensburg, Univ. Regensburg); PubMed 34758253 (cited by Institute of Human Genetics, Univ. Regensburg, Univ. Regensburg); PubMed 34440443 (cited by Institute of Human Genetics, Univ. Regensburg, Univ. Regensburg); PubMed 36284460 (cited by Institute of Human Genetics, Univ. Regensburg, Univ. Regensburg); PubMed 35138024 (cited by Institute of Human Genetics, Univ. Regensburg, Univ. Regensburg); PubMed 28041643 (cited by Ocular Genomics Institute, Massachusetts Eye and Ear and NIHR Bioresource Rare Diseases, University of Cambridge); PubMed 16612614 (cited by OMIM).